The following is an entry in ClinVar:

NM_001374353.1(GLI2):c.1317+6C>G

Gene: GLI2 (GLI family zinc finger 2; plus strand). Cytogenetic location: 2q14.2.
Variant type: single nucleotide variant.
Coding change: c.1317+6C>G on transcript NM_001374353.1 (MANE Select); 6 bases into the intron after coding-DNA position 1317, C replaced by G.
Molecular consequence: intron variant.
Genome position (GRCh38, 1-based): chr2:120,975,115, C>G. VCF-style: chr2-120975115-C-G. GRCh37 (hg19) VCF-style: chr2-121732691-C-G.
Other names: c.1368+6C>G (NM_001371271.1, NM_005270.5); c.942+6C>G (NM_001374354.1).
Identifiers: ClinVar variation 330970 (VCV000330970.9), dbSNP rs200971419, ClinGen allele CA1851862.

ClinVar aggregate classification (germline): Uncertain significance. Review status: criteria provided, multiple submitters, no conflicts (2 of 4 stars). 2 submissions from 2 submitters: Uncertain significance (2). Last evaluated 2025-08-21.

Conditions:
Holoprosencephaly 9 (HPE9). Also called: PITUITARY ANOMALIES WITH HOLOPROSENCEPHALY-LIKE FEATURES; HOLOPROSENCEPHALY WITH MICROPHTHALMIA AND FIRST BRANCHIAL ARCH ANOMALIES. Identifiers: Orphanet 2162, MedGen C1835819, MONDO:0012563, OMIM 610829.
Postaxial polydactyly-anterior pituitary anomalies-facial dysmorphism syndrome. Also called: Culler-Jones syndrome. Identifiers: Orphanet 420584, MedGen C4014479, MONDO:0014369, OMIM 615849.

Allele frequency attached by ClinVar (database versions not stated): gnomAD 0.00004 and 0.00005; TOPMed 0.00005; gnomAD exomes 0.00006 and 0.00003; ExAC 0.00008; ESP Exome Variant Server 0.00008; 1000 Genomes Project 30x 0.00031; 1000 Genomes Project 0.00040.
gnomAD v4.1: 60 of 1,613,630 alleles (0.0037%); highest among the groups gnomAD compares: Middle Eastern, 0.017%; no homozygotes.

Submissions (2):

Labcorp Genetics (formerly Invitae), Labcorp
Classification: Uncertain significance for Postaxial polydactyly-anterior pituitary anomalies-facial dysmorphism syndrome; Holoprosencephaly 9. Last evaluated: 2025-08-21. Review status: criteria provided, single submitter. Criteria: Invitae Variant Classification Sherloc (09022015). Collection method: clinical testing. Allele origin: germline.
Comment: This sequence change falls in intron 8 of the GLI2 gene. It does not directly change the encoded amino acid sequence of the GLI2 protein. It affects a nucleotide within the consensus splice site. This variant is present in population databases (rs200971419, gnomAD 0.01%). This variant has not been reported in the literature in individuals affected with GLI2-related conditions. ClinVar contains an entry for this variant (Variation ID: 330970). Variants that disrupt the consensus splice site are a relatively common cause of aberrant splicing (PMID: 17576681, 9536098). Algorithms developed to predict the effect of sequence changes on RNA splicing suggest that this variant is not likely to affect RNA splicing. In summary, the available evidence is currently insufficient to determine the role of this variant in disease. Therefore, it has been classified as a Variant of Uncertain Significance.

Illumina Laboratory Services, Illumina
Classification: Uncertain significance for Holoprosencephaly 9. Last evaluated: 2018-01-12. Review status: criteria provided, single submitter. Criteria: ICSL Variant Classification Criteria 13 December 2019. Collection method: clinical testing. Allele origin: germline.

Literature cited by the submitters: PubMed 17576681 (cited by Labcorp Genetics (formerly Invitae), Labcorp); PubMed 9536098 (cited by Labcorp Genetics (formerly Invitae), Labcorp).